The following is an entry in ClinVar:

NM_007294.4(BRCA1):c.*36C>G

Gene: BRCA1 (BRCA1 DNA repair associated; minus strand). Cytogenetic location: 17q21.31.
Variant type: single nucleotide variant.
Coding change: c.*36C>G on transcript NM_007294.4 (MANE Select); 36 bases downstream of the stop codon, C replaced by G.
Molecular consequence: 3 prime UTR variant. On other transcripts: non-coding transcript variant (1).
Genome position (GRCh38, 1-based): chr17:43,045,642, G>C on the plus strand (C>G on the coding strand, the complement: BRCA1 is on the minus strand). VCF-style: chr17-43045642-G-C. GRCh37 (hg19) VCF-style: chr17-41197659-G-C.
Other names: 5747C>G; IVS 3+1936C>G; c.*36C>G (NM_001407571.1, NM_001407581.1, NM_001407582.1 and 348 more transcripts); c.*142C>G (NM_001407854.1, NM_001407858.1, NM_001407859.1 and 14 more transcripts).
Identifiers: ClinVar variation 125873 (VCV000125873.55), dbSNP rs3092995, ClinGen allele CA002367.

ClinVar aggregate classification (germline): Benign. Review status: reviewed by expert panel (3 of 4 stars). 14 submissions from 14 submitters: Benign (1). 13 of the submissions do not count toward it. Last evaluated 2015-01-12.

Conditions:
Hereditary breast ovarian cancer syndrome. Also called: Hereditary breast and ovarian cancer syndrome; Breast and ovarian cancer; BRCA1- and BRCA2-Associated Hereditary Breast and Ovarian Cancer; Hereditary breast and ovarian cancer; Hereditary breast and ovarian cancer syndrome (HBOC); Hereditary breast and/or ovarian cancer syndrome. Identifiers: Orphanet 145, MedGen C0677776, MeSH D061325, MONDO:0003582. Disease mechanism: loss of function.
Breast-ovarian cancer, familial, susceptibility to, 1 (BROVCA1). Also called: OVARIAN CANCER, SUSCEPTIBILITY TO; BRCA1 Hereditary Breast and Ovarian Cancer. Identifiers: Orphanet 145, MedGen C2676676, MONDO:0011450, OMIM 604370. Disease mechanism: loss of function.

Allele frequency attached by ClinVar (database versions not stated): gnomAD 0.01385; TOPMed 0.01537; 1000 Genomes Project 0.01558; ESP Exome Variant Server 0.01561; 1000 Genomes Project 30x 0.01577.
gnomAD v4.1: 4,263 of 1,613,442 alleles (0.26%); highest among the groups gnomAD compares: African/African-American, 4.9%; 102 homozygotes.

Submissions (14):

Evidence-based Network for the Interpretation of Germline Mutant Alleles (ENIGMA)
Classification: Benign for Breast-ovarian cancer, familial 1. Last evaluated: 2015-01-12. Review status: reviewed by expert panel. Criteria: ENIGMA BRCA1/2 Classification Criteria (2015). Collection method: curation. Allele origin: germline.
Comment: Class 1 not pathogenic based on frequency >1% in an outbred sampleset. Frequency 0.08333 (African), derived from 1000 genomes (2012-04-30).

CeGaT Center for Human Genetics Tuebingen
Classification: Benign. Last evaluated: 2026-09-01. Review status: criteria provided, single submitter. Criteria: CeGaT Center For Human Genetics Tuebingen Variant Classification Criteria Version 2. Collection method: clinical testing. Allele origin: germline. Affected: yes. Observed: 8 variant alleles. Not counted in ClinVar's aggregate classification.
Comment: BRCA1: BS1, BS2

Center for Genomic Medicine, Rigshospitalet, Copenhagen University Hospital
Classification: Benign. Last evaluated: 2025-03-04. Review status: criteria provided, single submitter. Criteria: ACMG Guidelines, 2015. Collection method: clinical testing. Allele origin: germline. Not counted in ClinVar's aggregate classification.

National Health Laboratory Service, Universitas Academic Hospital and University of the Free State
Classification: Benign for Hereditary breast ovarian cancer syndrome. Last evaluated: 2022-04-19. Review status: criteria provided, single submitter. Criteria: ACMG Guidelines, 2015. Collection method: clinical testing. Allele origin: germline. Affected: yes. Observed: 83 variant alleles. Not counted in ClinVar's aggregate classification.

ARUP Laboratories, Molecular Genetics and Genomics, ARUP Laboratories
Classification: Benign. Last evaluated: 2019-10-15. Review status: criteria provided, single submitter. Criteria: ARUP Molecular Germline Variant Investigation Process. Collection method: clinical testing. Allele origin: germline. Not counted in ClinVar's aggregate classification.

Illumina Laboratory Services, Illumina
Classification: Benign for Breast-ovarian cancer, familial, susceptibility to, 1. Last evaluated: 2018-01-12. Review status: criteria provided, single submitter. Criteria: ICSL Variant Classification Criteria 13 December 2019. Collection method: clinical testing. Allele origin: germline. Not counted in ClinVar's aggregate classification.
Comment: This variant was observed in the ICSL laboratory as part of a predisposition screen in an ostensibly healthy population. It had not been previously curated by ICSL or reported in the Human Gene Mutation Database (HGMD: prior to June 1st, 2018), and was therefore a candidate for classification through an automated scoring system. Utilizing variant allele frequency, disease prevalence and penetrance estimates, and inheritance mode, an automated score was calculated to assess if this variant is too frequent to cause the disease. Based on the score and internal cut-off values, a variant classified as benign is not then subjected to further curation. The score for this variant resulted in a classification of benign for this disease.

Institute for Biomarker Research, Medical Diagnostic Laboratories, L.L.C.
Classification: Uncertain significance for Hereditary breast ovarian cancer syndrome. Last evaluated: 2016-04-25. Review status: criteria provided, single submitter. Criteria: ACMG Guidelines, 2015. Collection method: clinical testing. Allele origin: germline. Not counted in ClinVar's aggregate classification.

GeneDx
Classification: Benign. Last evaluated: 2015-03-03. Review status: criteria provided, single submitter. Criteria: GeneDx Variant Classification Process June 2021. Collection method: clinical testing. Allele origin: germline. Affected: yes. Not counted in ClinVar's aggregate classification.

Molecular Genetics Laboratory, University of Michigan
Classification: Benign for Breast-ovarian cancer, familial, susceptibility to, 1. Last evaluated: 2014-11-03. Review status: criteria provided, single submitter. Criteria: ACMG Guidelines, 2015. Collection method: clinical testing. Allele origin: germline. Affected: yes. Not counted in ClinVar's aggregate classification.

Breakthrough Genomics
Classification: Benign. Review status: criteria provided, single submitter. Criteria: ACMG Guidelines, 2015. Collection method: not provided. Allele origin: germline. Inheritance: Autosomal recessive inheritance. Affected: yes. Not counted in ClinVar's aggregate classification.

Counsyl
Classification: Benign for Breast-ovarian cancer, familial 1. Last evaluated: 2014-04-23. Review status: no assertion criteria provided. Collection method: literature only. Allele origin: unknown. Inheritance: Autosomal dominant inheritance. Not counted in ClinVar's aggregate classification.

Breast Cancer Information Core (BIC) (BRCA1)
Classification: Uncertain significance for Breast-ovarian cancer, familial 1. Last evaluated: 2006-07-19. Review status: no assertion criteria provided. Collection method: clinical testing. Allele origin: germline. Affected: yes. Observed: 7 variant alleles. Not counted in ClinVar's aggregate classification.

Clinical Genetics Laboratory, Department of Pathology, Netherlands Cancer Institute
Classification: Benign. Review status: no assertion criteria provided. Collection method: clinical testing. Allele origin: germline. Affected: yes. Study: VKGL Data-share Consensus. Not counted in ClinVar's aggregate classification.

Joint Genome Diagnostic Labs from Nijmegen and Maastricht, Radboudumc and MUMC+
Classification: Likely benign. Review status: no assertion criteria provided. Collection method: clinical testing. Allele origin: germline. Affected: yes. Study: VKGL Data-share Consensus. Not counted in ClinVar's aggregate classification.

Literature cited by the submitters: DOI 10.3389/fgene.2022.834265 (cited by National Health Laboratory Service, Universitas Academic Hospital and University of the Free State); PubMed 18204050 (cited by Counsyl); PubMed 20104584 (cited by Counsyl); PubMed 22753153 (cited by Counsyl); PubMed 9544765 (cited by Counsyl).